The following is an entry in ClinVar:

NM_021926.4(ALX4):c.*524C>T

Gene: ALX4 (ALX homeobox 4; minus strand). Cytogenetic location: 11p11.2.
Variant type: single nucleotide variant.
Coding change: c.*524C>T on transcript NM_021926.4 (MANE Select); 524 bases downstream of the stop codon, C replaced by T.
Molecular consequence: 3 prime UTR variant.
Genome position (GRCh38, 1-based): chr11:44,264,330, G>A on the plus strand (C>T on the coding strand, the complement: ALX4 is on the minus strand). VCF-style: chr11-44264330-G-A. GRCh37 (hg19) VCF-style: chr11-44285880-G-A.
Other names: c.*524C>T (LRG_1256t1).
Identifiers: ClinVar variation 304687 (VCV000304687.5), dbSNP rs534068592, ClinGen allele CA10634893.

ClinVar aggregate classification (germline): Benign (1 of 4 stars; one submission).

Conditions:
Parietal foramina 2 (PFM2). Identifiers: Orphanet 60015, MedGen C1865044, MONDO:0012309, OMIM 609597.

Allele frequency attached by ClinVar (database versions not stated): 1000 Genomes Project 0.00080; 1000 Genomes Project 30x 0.00109; gnomAD exomes 0.00167; gnomAD 0.00206 and 0.00212; TOPMed 0.00210.
gnomAD v4.1: 331 of 161,760 alleles (0.2%); highest among the groups gnomAD compares: Non-Finnish European, 0.35%; 1 homozygote.

Submission:

Illumina Laboratory Services, Illumina
Classification: Benign for Parietal foramina 2. Last evaluated: 2018-01-13. Review status: criteria provided, single submitter. Criteria: ICSL Variant Classification Criteria 13 December 2019. Collection method: clinical testing. Allele origin: germline.
Comment: This variant was observed in the ICSL laboratory as part of a predisposition screen in an ostensibly healthy population. It had not been previously curated by ICSL or reported in the Human Gene Mutation Database (HGMD: prior to June 1st, 2018), and was therefore a candidate for classification through an automated scoring system. Utilizing variant allele frequency, disease prevalence and penetrance estimates, and inheritance mode, an automated score was calculated to assess if this variant is too frequent to cause the disease. Based on the score and internal cut-off values, a variant classified as benign is not then subjected to further curation. The score for this variant resulted in a classification of benign for this disease.